The following is an entry in ClinVar:

ClinVar aggregate classification (germline): Uncertain significance (1 of 4 stars; one submission).

Submission:

Women's Health and Genetics/Laboratory Corporation of America, LabCorp
Classification: Uncertain significance. Last evaluated: 2021-04-22. Review status: criteria provided, single submitter. Criteria: LabCorp Variant Classification Summary - May 2015. Collection method: clinical testing. Allele origin: germline.
Comment: Variant summary: CASR c.1037G>A (p.Gly346Asp) results in a non-conservative amino acid change located in the Receptor, ligand binding domain (IPR001828) of the encoded protein sequence. Three of five in-silico tools predict a damaging effect of the variant on protein function. The variant was absent in 251364 control chromosomes. The available data on variant occurrences in the general population are insufficient to allow any conclusion about variant significance. To our knowledge, no occurrence of c.1037G>A in individuals affected with Familial Hypocalciuric Hypercalcemia/Autosomal Dominant Hypocalcemia and no experimental evidence demonstrating its impact on protein function have been reported. No clinical diagnostic laboratories have submitted clinical-significance assessments for this variant to ClinVar after 2014. Based on the evidence outlined above, the variant was classified as uncertain significance.

NM_000388.4(CASR):c.1037G>A (p.Gly346Asp)

Gene: CASR (calcium sensing receptor; plus strand). Cytogenetic location: 3q21.1.
Variant type: single nucleotide variant.
Coding change: c.1037G>A on transcript NM_000388.4 (MANE Select); coding-DNA position 1037, G replaced by A.
Protein change: p.Gly346Asp; replaces glycine 346 with aspartic acid.
Molecular consequence: missense variant.
Genome position (GRCh38, 1-based): chr3:122,262,072, G>A. VCF-style: chr3-122262072-G-A. GRCh37 (hg19) VCF-style: chr3-121980919-G-A.
Other names: c.1037G>A, p.Gly346Asp (NM_001178065.2); short protein forms G346D.
Identifiers: ClinVar variation 1098781 (VCV001098781.1), dbSNP rs2107632791, ClinGen allele CA354152281.